The following is an entry in ClinVar:

NM_001366900.1(TTC21A):c.3380G>A (p.Arg1127Gln)

Gene: TTC21A (tetratricopeptide repeat domain 21A; plus strand). Cytogenetic location: 3p22.2.
Variant type: single nucleotide variant.
Coding change: c.3380G>A on transcript NM_001366900.1 (MANE Select); coding-DNA position 3380, G replaced by A.
Protein change: p.Arg1127Gln; replaces arginine 1127 with glutamine.
Molecular consequence: missense variant. On other transcripts: non-coding transcript variant (1).
Genome position (GRCh38, 1-based): chr3:39,137,317, G>A. VCF-style: chr3-39137317-G-A. GRCh37 (hg19) VCF-style: chr3-39178808-G-A.
Other names: c.3257G>A, p.Arg1086Gln (NM_001105513.3); c.3404G>A, p.Arg1135Gln (NM_001366899.1); c.3401G>A, p.Arg1134Gln (NM_145755.3); short protein forms R1086Q, R1127Q, R1134Q, R1135Q.
Identifiers: ClinVar variation 3056623 (VCV003056623.2), dbSNP rs73070244, ClinGen allele CA2325003.

ClinVar aggregate classification (germline): Benign (0 of 4 stars; one submission).

Conditions:
TTC21A-related disorder. Also called: TTC21A-related condition.

Allele frequency attached by ClinVar (database versions not stated): 1000 Genomes Project 0.00619; 1000 Genomes Project 30x 0.00625; TOPMed 0.01332; gnomAD 0.01453; ESP Exome Variant Server 0.01459; ExAC 0.01549; gnomAD exomes 0.02074.
gnomAD v4.1: 32,257 of 1,613,912 alleles (2%); highest among the groups gnomAD compares: Non-Finnish European, 2.4%; 417 homozygotes.

Submission:

PreventionGenetics, part of Exact Sciences
Classification: Benign for TTC21A-related condition. Last evaluated: 2019-10-29. Review status: no assertion criteria provided. Collection method: clinical testing. Allele origin: germline.
Comment: This variant is classified as benign based on ACMG/AMP sequence variant interpretation guidelines (Richards et al. 2015 PMID: 25741868, with internal and published modifications).